The following is an entry in ClinVar:

ClinVar aggregate classification (germline): Likely benign (1 of 4 stars; one submission).

Allele frequency attached by ClinVar (database versions not stated): ExAC 0.00012; TOPMed 0.00046; gnomAD 0.00049; gnomAD exomes 0.00055; 1000 Genomes Project 0.00060; 1000 Genomes Project 30x 0.00109.
gnomAD v4.1: 850 of 1,541,936 alleles (0.055%); highest among the groups gnomAD compares: Non-Finnish European, 0.066%; 1 homozygote.

Submission:

CeGaT Center for Human Genetics Tuebingen
Classification: Likely benign. Last evaluated: 2025-12-01. Review status: criteria provided, single submitter. Criteria: CeGaT Center For Human Genetics Tuebingen Variant Classification Criteria Version 2. Collection method: clinical testing. Allele origin: germline. Affected: yes. Observed: 3 variant alleles.
Comment: SUZ12: BS1

NM_015355.4(SUZ12):c.196G>A (p.Ala66Thr)

Gene: SUZ12 (SUZ12 polycomb repressive complex 2 subunit; plus strand). Cytogenetic location: 17q11.2.
Variant type: single nucleotide variant.
Coding change: c.196G>A on transcript NM_015355.4 (MANE Select); coding-DNA position 196, G replaced by A.
Protein change: p.Ala66Thr; replaces alanine 66 with threonine.
Molecular consequence: missense variant.
Genome position (GRCh38, 1-based): chr17:31,937,442, G>A. VCF-style: chr17-31937442-G-A. GRCh37 (hg19) VCF-style: chr17-30264461-G-A.
Other names: c.196G>A, p.Ala66Thr (NM_001321207.2); short protein forms A66T.
Identifiers: ClinVar variation 3250500 (VCV003250500.18), dbSNP rs199728576.
Genomic context (GRCh38, chr17:31,937,442, plus strand): 5'-TGTGGAGGGGGTGGCAGTTACTCGGCCTCCTCCTCCTCCTCCGCGGCGGCAGCGGCGGGG[G>A]CTGCGGTGTTACCGGTGAAGAAGCCGAAAATGGAGCACGTCCAGGCTGACCACGAGCTTT-3'
Protein context (NP_056170.2, residues 56-76): SSSSAAAAAG[Ala66Thr]AVLPVKKPKM